The following is an entry in ClinVar:

NM_016955.4(SEPSECS):c.770T>C (p.Val257Ala)

Gene: SEPSECS (Sep (O-phosphoserine) tRNA:Sec (selenocysteine) tRNA synthase; minus strand). Cytogenetic location: 4p15.2.
Variant type: single nucleotide variant.
Coding change: c.770T>C on transcript NM_016955.4 (MANE Select); coding-DNA position 770, T replaced by C.
Protein change: p.Val257Ala; replaces valine 257 with alanine.
Molecular consequence: missense variant.
Genome position (GRCh38, 1-based): chr4:25,151,994, A>G on the plus strand (T>C on the coding strand, the complement: SEPSECS is on the minus strand). VCF-style: chr4-25151994-A-G. GRCh37 (hg19) VCF-style: chr4-25153616-A-G.
Other names: p.V257A; p.Val257Ala; c.1025T>C, p.Val342Ala (NM_001410714.1); short protein forms V257A, V342A.
Identifiers: ClinVar variation 4884334 (VCV004884334.1).

ClinVar aggregate classification (germline): Uncertain significance (1 of 4 stars; one submission).

Conditions:
Pontocerebellar hypoplasia type 2D (PCH2D). Also called: Progressive cerebello-cerebral atrophy. Identifiers: Orphanet 247198, Orphanet 2524, MedGen C3151140, MONDO:0013438, OMIM 613811.

gnomAD v4.1: 2 of 1,600,180 alleles (0.00012%); highest among the groups gnomAD compares: East Asian, 0.0045%; no homozygotes.

Submission:

Clinical Genetics Laboratory, Universite de Sherbrooke
Classification: Uncertain significance for Pontocerebellar hypoplasia type 2D. Last evaluated: 2022-09-01. Review status: criteria provided, single submitter. Criteria: ACMG Guidelines, 2015. Collection method: curation. Allele origin: germline. Affected: yes.
Comment: Reported in compound heterozygosity with SEPSECS c.628C>T; p.Gln210Ter in an individual with late-onset SEPSECS-related PCH2D. The reported phenotype included progressive cerebellar atrophy with ataxic gait, slurred speech, dysphagia, and bradykinesia, supporting the association of this variant with a milder/later-onset presentation (PMID:36085396).

Literature cited by the submitters: PubMed 36085396.